The following is an entry in ClinVar:

ClinVar aggregate classification (germline): Uncertain significance (1 of 4 stars; one submission).

Submission:

Labcorp Genetics (formerly Invitae), Labcorp
Classification: Uncertain significance. Last evaluated: 2023-07-17. Review status: criteria provided, single submitter. Criteria: Invitae Variant Classification Sherloc (09022015). Collection method: clinical testing. Allele origin: germline.
Comment: ClinVar contains an entry for this variant (Variation ID: 2013023). This variant has not been reported in the literature in individuals affected with CLCN4-related conditions. This variant is not present in population databases (gnomAD no frequency). This sequence change replaces valine, which is neutral and non-polar, with leucine, which is neutral and non-polar, at codon 255 of the CLCN4 protein (p.Val255Leu). In summary, the available evidence is currently insufficient to determine the role of this variant in disease. Therefore, it has been classified as a Variant of Uncertain Significance. An algorithm developed to predict the effect of missense changes on protein structure and function (PolyPhen-2) suggests that this variant is likely to be tolerated.

NM_001830.4(CLCN4):c.763G>C (p.Val255Leu)

Gene: CLCN4 (chloride voltage-gated channel 4; plus strand). Cytogenetic location: Xp22.2.
Variant type: single nucleotide variant.
Coding change: c.763G>C on transcript NM_001830.4 (MANE Select); coding-DNA position 763, G replaced by C.
Protein change: p.Val255Leu; replaces valine 255 with leucine.
Molecular consequence: missense variant.
Genome position (GRCh38, 1-based): chrX:10,206,696, G>C. VCF-style: chrX-10206696-G-C. GRCh37 (hg19) VCF-style: chrX-10174736-G-C.
Other names: c.481G>C, p.Val161Leu (NM_001256944.2); short protein forms V161L, V255L.
Identifiers: ClinVar variation 2013023 (VCV002013023.4), dbSNP rs2518884458, ClinGen allele CA412037096.